The following is an entry in ClinVar:

NM_005219.5(DIAPH1):c.3273+4T>C

Gene: DIAPH1 (diaphanous related formin 1; minus strand). Cytogenetic location: 5q31.3.
Variant type: single nucleotide variant.
Coding change: c.3273+4T>C on transcript NM_005219.5 (MANE Select); 4 bases into the intron after coding-DNA position 3273, T replaced by C.
Molecular consequence: intron variant.
Genome position (GRCh38, 1-based): chr5:141,527,569, A>G on the plus strand (T>C on the coding strand, the complement: DIAPH1 is on the minus strand). VCF-style: chr5-141527569-A-G. GRCh37 (hg19) VCF-style: chr5-140907136-A-G.
Other names: c.3246+4T>C (NM_001079812.3); c.3273+4T>C (NM_001314007.2).
Identifiers: ClinVar variation 4792416 (VCV004792416.1).

ClinVar aggregate classification (germline): Uncertain significance (1 of 4 stars; one submission).

Conditions:
Progressive microcephaly-seizures-cortical blindness-developmental delay syndrome. Also called: Seizures, cortical blindness, and microcephaly syndrome. Identifiers: Orphanet 477814, MedGen C5567650, MONDO:0014714, OMIM 616632.
Autosomal dominant nonsyndromic hearing loss 1. Also called: KONIGSMARK SYNDROME; DEAFNESS, AUTOSOMAL DOMINANT 1, WITH OR WITHOUT THROMBOCYTOPENIA. Identifiers: Orphanet 90635, MedGen C1852282, MONDO:0007424, OMIM 124900.

gnomAD v4.1: 7 of 1,613,638 alleles (0.00043%); highest among the groups gnomAD compares: East Asian, 0.0022%; no homozygotes.

Submission:

Labcorp Genetics (formerly Invitae), Labcorp
Classification: Uncertain significance for Progressive microcephaly-seizures-cortical blindness-developmental delay syndrome; Autosomal dominant nonsyndromic hearing loss 1. Last evaluated: 2025-07-09. Review status: criteria provided, single submitter. Criteria: Invitae Variant Classification Sherloc (09022015). Collection method: clinical testing. Allele origin: germline.
Comment: This sequence change falls in intron 24 of the DIAPH1 gene. It does not directly change the encoded amino acid sequence of the DIAPH1 protein. It affects a nucleotide within the consensus splice site. This variant is not present in population databases (gnomAD no frequency). This variant has not been reported in the literature in individuals affected with DIAPH1-related conditions. Variants that disrupt the consensus splice site are a relatively common cause of aberrant splicing (PMID: 17576681, 9536098). Algorithms developed to predict the effect of sequence changes on RNA splicing suggest that this variant may disrupt the consensus splice site. In summary, the available evidence is currently insufficient to determine the role of this variant in disease. Therefore, it has been classified as a Variant of Uncertain Significance.

Literature cited by the submitters: PubMed 17576681; PubMed 9536098.